The following is an entry in ClinVar:

ClinVar aggregate classification (germline): Uncertain significance (1 of 4 stars; one submission).

Conditions:
Familial thoracic aortic aneurysm and aortic dissection (TAAD). Also called: Thoracic aortic aneurysms and dissections. Identifiers: Orphanet 91387, MedGen C4707243, MONDO:0019625.

gnomAD v4.1: 1 of 1,553,896 alleles (0.000064%); highest among the groups gnomAD compares: South Asian, 0.0012%; no homozygotes.

Submission:

Ambry Genetics
Classification: Uncertain significance for Familial thoracic aortic aneurysm and aortic dissection. Last evaluated: 2024-12-31. Review status: criteria provided, single submitter. Criteria: Ambry Variant Classification Scheme 2023. Collection method: clinical testing. Allele origin: germline.
Comment: The p.P531R variant (also known as c.1592C>G), located in coding exon 5 of the SKI gene, results from a C to G substitution at nucleotide position 1592. The proline at codon 531 is replaced by arginine, an amino acid with dissimilar properties. This amino acid position is conserved. In addition, this alteration is predicted to be tolerated by in silico analysis. Based on the available evidence, the clinical significance of this variant remains unclear.

NM_003036.4(SKI):c.1592C>G (p.Pro531Arg)

Gene: SKI (SKI proto-oncogene; plus strand). Cytogenetic location: 1p36.32.
Variant type: single nucleotide variant.
Coding change: c.1592C>G on transcript NM_003036.4 (MANE Select); coding-DNA position 1592, C replaced by G.
Protein change: p.Pro531Arg; replaces proline 531 with arginine.
Molecular consequence: missense variant.
Genome position (GRCh38, 1-based): chr1:2,304,410, C>G. VCF-style: chr1-2304410-C-G. GRCh37 (hg19) VCF-style: chr1-2235849-C-G.
Other names: short protein forms P531R.
Identifiers: ClinVar variation 3796262 (VCV003796262.1).
Genomic context (GRCh38, chr1:2,304,410, plus strand): 5'-AGGACCTGGGCTCCCCGGGTGCGCGTGCCCTGCCCTCGGCCGTCCCTGATGCTGCGGCCC[C>G]TGCCGACGCCCCCAGTGGGCTGGAGGCGGAGCTGGAGCACCTGCGGCAGGCACTGGAGGG-3'
Protein context (NP_003027.1, residues 521-541): LPSAVPDAAA[Pro531Arg]ADAPSGLEAE